The following is an entry in ClinVar:

ClinVar aggregate classification (germline): Likely benign (1 of 4 stars; one submission).

Allele frequency attached by ClinVar (database versions not stated): TOPMed below 0.00001.

Submission:

GeneDx
Classification: Likely benign. Last evaluated: 2017-09-28. Review status: criteria provided, single submitter. Criteria: GeneDx Variant Classification (06012015). Collection method: clinical testing. Allele origin: germline. Affected: yes.
Comment: This variant is considered likely benign or benign based on one or more of the following criteria: it is a conservative change, it occurs at a poorly conserved position in the protein, it is predicted to be benign by multiple in silico algorithms, and/or has population frequency not consistent with disease.

NM_006486.3(FBLN1):c.1973-12C>G

Gene: FBLN1 (fibulin 1; plus strand). Cytogenetic location: 22q13.31.
Variant type: single nucleotide variant.
Coding change: c.1973-12C>G on transcript NM_006486.3 (MANE Select); 12 bases into the intron before coding-DNA position 1973, C replaced by G.
Molecular consequence: intron variant.
Genome position (GRCh38, 1-based): chr22:45,600,295, C>G. VCF-style: chr22-45600295-C-G. GRCh37 (hg19) VCF-style: chr22-45996175-C-G.
Identifiers: ClinVar variation 512006 (VCV000512006.1), dbSNP rs1555964980, ClinGen allele CA658799560.